The following is an entry in ClinVar:

ClinVar aggregate classification (germline): Pathogenic (1 of 4 stars; one submission).

Conditions:
Severe combined immunodeficiency due to DCLRE1C deficiency (RS-SCID). Also called: SCID, AUTOSOMAL RECESSIVE, T CELL-NEGATIVE, B CELL-NEGATIVE, NK CELL-POSITIVE, WITH SENSITIVITY TO IONIZING RADIATION. Identifiers: Orphanet 275, MedGen C1865371, MONDO:0011225, OMIM 602450.

Submission:

Labcorp Genetics (formerly Invitae), Labcorp
Classification: Pathogenic for Athabaskan severe combined immunodeficiency. Last evaluated: 2023-02-08. Review status: criteria provided, single submitter. Criteria: Invitae Variant Classification Sherloc (09022015). Collection method: clinical testing. Allele origin: germline.
Comment: For these reasons, this variant has been classified as Pathogenic. This variant disrupts a region of the DCLRE1C protein in which other variant(s) (c.1669dupA) have been determined to be pathogenic (PMID: 26476407). This suggests that this is a clinically significant region of the protein, and that variants that disrupt it are likely to be disease-causing. This variant has not been reported in the literature in individuals affected with DCLRE1C-related conditions. This variant is not present in population databases (gnomAD no frequency). This sequence change creates a premature translational stop signal (p.Gln546*) in the DCLRE1C gene. While this is not anticipated to result in nonsense mediated decay, it is expected to disrupt the last 147 amino acid(s) of the DCLRE1C protein.

Literature cited by the submitters: PubMed 26476407.

NM_001033855.3(DCLRE1C):c.1636C>T (p.Gln546Ter)

Gene: DCLRE1C (DNA cross-link repair 1C; minus strand). Cytogenetic location: 10p13.
Variant type: single nucleotide variant.
Coding change: c.1636C>T on transcript NM_001033855.3 (MANE Select); coding-DNA position 1636, C replaced by T.
Protein change: p.Gln546Ter; replaces glutamine 546 with a stop codon.
Molecular consequence: nonsense. On other transcripts: non-coding transcript variant (4).
Genome position (GRCh38, 1-based): chr10:14,908,851, G>A on the plus strand (C>T on the coding strand, the complement: DCLRE1C is on the minus strand). VCF-style: chr10-14908851-G-A. GRCh37 (hg19) VCF-style: chr10-14950850-G-A.
Other names: c.1291C>T, p.Gln431Ter (NM_022487.4, NM_001289076.2, NM_001289078.2 and 1 more transcripts); c.1276C>T, p.Gln426Ter (NM_001033857.3, NM_001033858.3, NM_001289077.2 and 2 more transcripts); c.1636C>T, p.Gln546Ter (NM_001350965.2); short protein forms Q546*, Q426*, Q431*.
Identifiers: ClinVar variation 1946287 (VCV001946287.5), dbSNP rs183622528, ClinGen allele CA376075157.